The following is an entry in ClinVar:

ClinVar aggregate classification (germline): Uncertain significance (1 of 4 stars; one submission).

gnomAD v4.1: 6 of 1,590,352 alleles (0.00038%); highest among the groups gnomAD compares: Non-Finnish European, 0.00052%; no homozygotes.

Submission:

Ambry Genetics
Classification: Uncertain significance. Last evaluated: 2025-03-14. Review status: criteria provided, single submitter. Criteria: Ambry Variant Classification Scheme 2023. Collection method: clinical testing. Allele origin: germline.
Comment: The c.840+4A>G intronic alteration results from an A to G substitution 4 nucleotides after coding exon 11 of the NAE1 gene. Based on data from gnomAD, the G allele has an overall frequency of 0.001% (2/250020) total alleles studied. The highest observed frequency was 0.002% (2/113352) of European (non-Finnish) alleles. This nucleotide position is not well conserved in available vertebrate species. In silico splice site analysis predicts that this alteration may weaken the native splice donor site. Based on insufficient or conflicting evidence, the clinical significance of this alteration remains unclear.

NM_003905.4(NAE1):c.840+4A>G

Gene: NAE1 (NEDD8 activating enzyme E1 subunit 1; minus strand). Cytogenetic location: 16q22.1.
Variant type: single nucleotide variant.
Coding change: c.840+4A>G on transcript NM_003905.4 (MANE Select); 4 bases into the intron after coding-DNA position 840, A replaced by G.
Molecular consequence: intron variant.
Genome position (GRCh38, 1-based): chr16:66,816,577, T>C on the plus strand (A>G on the coding strand, the complement: NAE1 is on the minus strand). VCF-style: chr16-66816577-T-C. GRCh37 (hg19) VCF-style: chr16-66850480-T-C.
Other names: c.573+4A>G (NM_001018160.2); c.849+4A>G (NM_001286500.2); c.822+4A>G (NM_001018159.2).
Identifiers: ClinVar variation 3877525 (VCV003877525.1).